The following is an entry in ClinVar:

NM_004408.4(DNM1):c.1351C>T (p.Arg451Trp)

Gene: DNM1 (dynamin 1; plus strand). Cytogenetic location: 9q34.11.
Variant type: single nucleotide variant.
Coding change: c.1351C>T on transcript NM_004408.4 (MANE Select); coding-DNA position 1351, C replaced by T.
Protein change: p.Arg451Trp; replaces arginine 451 with tryptophan.
Molecular consequence: missense variant.
Genome position (GRCh38, 1-based): chr9:128,234,036, C>T. VCF-style: chr9-128234036-C-T. GRCh37 (hg19) VCF-style: chr9-130996315-C-T.
Other names: c.1351C>T, p.Arg451Trp (NM_001005336.3, NM_001288737.2, NM_001288738.2 and 2 more transcripts); short protein forms R451W.
Identifiers: ClinVar variation 2880466 (VCV002880466.3), dbSNP rs1322707318, ClinGen allele CA375022684.

ClinVar aggregate classification (germline): Uncertain significance (1 of 4 stars; one submission).

Conditions:
Developmental and epileptic encephalopathy, 31A. Also called: Epileptic encephalopathy, early infantile, 31; Developmental and epileptic encephalopathy, 31. Identifiers: Orphanet 2382, MedGen C4225357, MONDO:0014598, OMIM 616346.

Allele frequency attached by ClinVar (database versions not stated): gnomAD exomes below 0.00001.
gnomAD v4.1: 4 of 1,572,268 alleles (0.00025%); highest among the groups gnomAD compares: Non-Finnish European, 0.00026%; no homozygotes.

Submission:

Labcorp Genetics (formerly Invitae), Labcorp
Classification: Uncertain significance for Developmental and epileptic encephalopathy, 31A. Last evaluated: 2023-04-09. Review status: criteria provided, single submitter. Criteria: Invitae Variant Classification Sherloc (09022015). Collection method: clinical testing. Allele origin: germline.
Comment: This sequence change replaces arginine, which is basic and polar, with tryptophan, which is neutral and slightly polar, at codon 451 of the DNM1 protein (p.Arg451Trp). Advanced modeling of protein sequence and biophysical properties (such as structural, functional, and spatial information, amino acid conservation, physicochemical variation, residue mobility, and thermodynamic stability) performed at Invitae indicates that this missense variant is expected to disrupt DNM1 protein function. This variant has not been reported in the literature in individuals affected with DNM1-related conditions. The frequency data for this variant in the population databases is considered unreliable, as metrics indicate poor data quality at this position in the gnomAD database. In summary, the available evidence is currently insufficient to determine the role of this variant in disease. Therefore, it has been classified as a Variant of Uncertain Significance.